The following is an entry in ClinVar:

NM_005609.4(PYGM):c.1239_1239+1delinsAT

Gene: PYGM (glycogen phosphorylase, muscle associated; minus strand). Cytogenetic location: 11q13.1.
Variant type: Indel.
Coding change: c.1239_1239+1delinsAT on transcript NM_005609.4 (MANE Select); coding-DNA position 1239 through the canonical splice donor site of the intron after coding-DNA position 1239, CG replaced by AT.
Molecular consequence: splice donor variant.
Genome position (GRCh38, 1-based): chr11:64,753,878-64,753,879, CG replaced by AT on the plus strand (CG replaced by AT on the coding strand, the reverse complement: PYGM is on the minus strand). VCF-style: chr11-64753878-CG-AT. GRCh37 (hg19) VCF-style: chr11-64521350-CG-AT.
Other names: c.975_975+1delinsAT (NM_001164716.1); c.1239_1239+1delCGinsAT (NM_005609.3).
Identifiers: ClinVar variation 1452391 (VCV001452391.9), dbSNP rs2135833743, ClinGen allele CA2573147424.

ClinVar aggregate classification (germline): Pathogenic. Review status: criteria provided, multiple submitters, no conflicts (2 of 4 stars). 2 submissions from 2 submitters: Pathogenic (2). Last evaluated 2025-04-15.

Conditions:
Glycogen storage disease, type V (GSD5). Also called: MCARDLE DISEASE; MUSCLE GLYCOGEN PHOSPHORYLASE DEFICIENCY; MYOPHOSPHORYLASE DEFICIENCY; PYGM DEFICIENCY; McArdle type glycogen storage disease. Identifiers: Orphanet 368, MedGen C0017924, MONDO:0009293, OMIM 232600.

Submissions (2):

Natera, Inc.
Classification: Pathogenic for Glycogen storage disease V. Last evaluated: 2025-04-15. Review status: criteria provided, single submitter. Criteria: Natera Variant Classification Schema (03/2026). Collection method: clinical testing. Allele origin: germline.
Comment: The c.1239_1239+1delCGinsAT variant in PYGM is a canonical splice donor site variant predicted to affect pre-mRNA splicing, which may result in an abnormal transcript and altered protein product. This variant is expected to result in nonsense mediated decay, truncation, or a dysfunctional protein product. This variant is rare in the general population with a frequency below the threshold expected for the associated phenotype(s). Another variant at this same site results in an alteration predicted to cause a similar molecular effect has been observed in individual(s) with the associated phenotype. Given the available evidence, this variant is classified as Pathogenic.

Labcorp Genetics (formerly Invitae), Labcorp
Classification: Pathogenic for Glycogen storage disease, type V. Last evaluated: 2023-10-23. Review status: criteria provided, single submitter. Criteria: Invitae Variant Classification Sherloc (09022015). Collection method: clinical testing. Allele origin: germline.
Comment: This variant results in the deletion of part of exon 10 (c.1239_1239+1delinsAT) of the PYGM gene. It is expected to disrupt RNA splicing. Variants that disrupt the donor or acceptor splice site typically lead to a loss of protein function (PMID: 16199547), and loss-of-function variants in PYGM are known to be pathogenic (PMID: 8316268, 16786513). Information on the frequency of this variant in the gnomAD database is not available, as this variant may be reported differently in the database. This variant has been observed in individual(s) with PYGM-related conditions (PMID: 16786513, 19472443). ClinVar contains an entry for this variant (Variation ID: 1452391). For these reasons, this variant has been classified as Pathogenic.

Literature cited by the submitters: PubMed 16199547 (cited by Labcorp Genetics (formerly Invitae), Labcorp); PubMed 8316268 (cited by Labcorp Genetics (formerly Invitae), Labcorp); PubMed 16786513 (cited by Labcorp Genetics (formerly Invitae), Labcorp); PubMed 19472443 (cited by Labcorp Genetics (formerly Invitae), Labcorp).